The following is an entry in ClinVar:

NM_005762.3(TRIM28):c.1535G>A (p.Ser512Asn)

Gene: TRIM28 (tripartite motif containing 28; plus strand). Cytogenetic location: 19q13.43.
Variant type: single nucleotide variant.
Coding change: c.1535G>A on transcript NM_005762.3 (MANE Select); coding-DNA position 1535, G replaced by A.
Protein change: p.Ser512Asn; replaces serine 512 with asparagine.
Molecular consequence: missense variant.
Genome position (GRCh38, 1-based): chr19:58,549,113, G>A. VCF-style: chr19-58549113-G-A. GRCh37 (hg19) VCF-style: chr19-59060480-G-A.
Other names: short protein forms S512N.
Identifiers: ClinVar variation 3973369 (VCV003973369.2).
Genomic context (GRCh38, chr19:58,549,113, plus strand): 5'-GCCTGGACCTGGACCTCACAGCTGACAGCCAGCCACCCGTCTTCAAGGTCTTCCCAGGCA[G>A]TACCACTGAGGACTACAACCTTATTGTTATTGAACGTGGCGCTGCCGCTGCAGCTACCGG-3'
Protein context (NP_005753.1, residues 502-522): QPPVFKVFPG[Ser512Asn]TTEDYNLIVI

ClinVar aggregate classification (germline): Uncertain significance. Review status: criteria provided, multiple submitters, no conflicts (2 of 4 stars). 2 submissions from 2 submitters: Uncertain significance (2). Last evaluated 2026-02-20.

Conditions:
Predisposition to Wilms tumor.

gnomAD v4.1: 8 of 1,614,048 alleles (0.0005%); highest among the groups gnomAD compares: African/African-American, 0.0067%; no homozygotes.

Submissions (2):

St. Jude Molecular Pathology, St. Jude Children's Research Hospital
Classification: Uncertain significance for Predisposition to Wilms tumor. Last evaluated: 2026-02-20. Review status: criteria provided, single submitter. Criteria: St. Jude Assertion Criteria 2020. Collection method: clinical testing. Allele origin: germline.
Comment: The TRIM28 c.1535G>A p.(Ser512Asn) missense change has a maximum subpopulation frequency of 0.019% in gnomAD v2.1.1. The in silico tool REVEL predicts a benign effect on protein function, but this prediction has not been confirmed by functional studies. This variant has not been reported in individuals with TRIM28-associated Wilms tumo r. In summary, the evidence currently available is insufficient to determine the clinical significance of this variant. It has therefore been classified as of uncertain significance.

Ambry Genetics
Classification: Uncertain significance. Last evaluated: 2025-04-03. Review status: criteria provided, single submitter. Criteria: Ambry Variant Classification Scheme 2023. Collection method: clinical testing. Allele origin: germline.